The following is an entry in ClinVar:

NM_031407.7(HUWE1):c.2007T>G (p.His669Gln)

Gene: HUWE1 (HECT, UBA and WWE domain containing E3 ubiquitin protein ligase 1; minus strand). Cytogenetic location: Xp11.22.
Variant type: single nucleotide variant.
Coding change: c.2007T>G on transcript NM_031407.7 (MANE Select); coding-DNA position 2007, T replaced by G.
Protein change: p.His669Gln; replaces histidine 669 with glutamine.
Molecular consequence: missense variant.
Genome position (GRCh38, 1-based): chrX:53,615,786, A>C on the plus strand (T>G on the coding strand, the complement: HUWE1 is on the minus strand). VCF-style: chrX-53615786-A-C. GRCh37 (hg19) VCF-style: chrX-53642747-A-C.
Other names: short protein forms H669Q.
Identifiers: ClinVar variation 375713 (VCV000375713.2), dbSNP rs1557006873, ClinGen allele CA413147243.
Genomic context (GRCh38, chrX:53,615,786, plus strand): 5'-ATCCTTATCACTTTCTACCTTGATGATGGCAGTCGTTGCATCTGTTTTAAGGGTGGGCTG[A>C]TGTCTCATGAGCTCATCGACAGCACTCCCCAGGTTGGATGCAGTATCCCCTTAAGGCAAA-3'
Protein context (NP_113584.3, residues 659-679): LGSAVDELMR[His669Gln]QPTLKTDATT

ClinVar aggregate classification (germline): Likely pathogenic (1 of 4 stars; one submission).

Conditions:
Intellectual developmental disorder, X-linked, syndromic, Turner type. Also called: Intellectual disability, X-linked syndromic, Turner type; X-linked intellectual disability, Turner type. Identifiers: Orphanet 3056, Orphanet 85328, MedGen C2678046, MONDO:0010407, OMIM 309590.

Submission:

Center for Medical Genetics and Molecular Medicine, Haukeland University Hospital
Classification: Likely pathogenic for Intellectual developmental disorder, X-linked, syndromic, Turner type. Last evaluated: 2017-01-18. Review status: criteria provided, single submitter. Criteria: ACMG Guidelines, 2015. Collection method: clinical testing. Allele origin: de novo. Inheritance: X-linked inheritance. Affected: no. Observed: 1 variant allele.
Comment: ACMG evidence: PS(1), PM(1), PP(2)